The following is an entry in ClinVar:

NM_001267550.2(TTN):c.105180_105181delinsCA (p.Glu35060_Ala35061delinsAspThr)

Genes: TTN (titin; minus strand), TTN-AS1 (TTN antisense RNA 1; plus strand), LOC129935185 (ATAC-STARR-seq lymphoblastoid active region 16810; plus strand). Cytogenetic location: 2q31.2.
Variant type: Indel.
Coding change: c.105180_105181delinsCA on transcript NM_001267550.2 (MANE Select); coding-DNA positions 105180 to 105181, GG replaced by CA.
Protein change: p.Glu35060_Ala35061delinsAspThr.
Molecular consequence: missense variant.
Genome position (GRCh38, 1-based): chr2:178,531,434-178,531,435, CC replaced by TG on the plus strand (GG replaced by CA on the coding strand, the reverse complement: TTN is on the minus strand). VCF-style: chr2-178531434-CC-TG. GRCh37 (hg19) VCF-style: chr2-179396161-CC-TG.
Other names: c.100257_100258delinsCA, p.Glu33419_Ala33420delinsAspThr (NM_001256850.1); c.77985_77986delinsCA, p.Glu25995_Ala25996delinsAspThr (NM_003319.4); c.97476_97477delinsCA, p.Glu32492_Ala32493delinsAspThr (NM_133378.4); c.78360_78361delinsCA, p.Glu26120_Ala26121delinsAspThr (NM_133432.3); c.78561_78562delinsCA, p.Glu26187_Ala26188delinsAspThr (NM_133437.4).
Identifiers: ClinVar variation 853727 (VCV000853727.10), dbSNP rs1689075044, ClinGen allele CA916081324.
Genomic context (GRCh38, chr2:178,531,434, plus strand): 5'-CCCTGACAGAAGACGAAGCTTCCATCTCAGATGTTTTCTTAAATGATGAAACAGCATACG[CC>TG]TCTGTTCTTGTCAGCTCAGGGAAAACAGATCTGGGGACCTCTTCATCTCTGCGTTGGGAA-3'

ClinVar aggregate classification (germline): Uncertain significance (1 of 4 stars; one submission).

Conditions:
Dilated cardiomyopathy 1G (CMD1G). Identifiers: Orphanet 154, MedGen C1858763, MONDO:0011400, OMIM 604145.
Autosomal recessive limb-girdle muscular dystrophy type 2J (LGMDR10). Also called: MUSCULAR DYSTROPHY, LIMB-GIRDLE, AUTOSOMAL RECESSIVE 10; Limb-girdle muscular dystrophy, type 2J. Identifiers: Orphanet 140922, MedGen C1837342, MONDO:0012127, OMIM 608807.

Submission:

Labcorp Genetics (formerly Invitae), Labcorp
Classification: Uncertain significance for Dilated cardiomyopathy 1G; Autosomal recessive limb-girdle muscular dystrophy type 2J. Last evaluated: 2022-08-09. Review status: criteria provided, single submitter. Criteria: Invitae Variant Classification Sherloc (09022015). Collection method: clinical testing. Allele origin: germline.
Comment: In summary, the available evidence is currently insufficient to determine the role of this variant in disease. Therefore, it has been classified as a Variant of Uncertain Significance. This variant is located in the M band of TTN (PMID: 25589632). Variants in this region may be relevant for neuromuscular disorders, but have not been definitively shown to cause cardiomyopathy (PMID: 23975875). Experimental studies and prediction algorithms are not available or were not evaluated, and the functional significance of this variant is currently unknown. ClinVar contains an entry for this variant (Variation ID: 853727). This variant has not been reported in the literature in individuals affected with TTN-related conditions. Information on the frequency of this variant in the gnomAD database is not available, as this variant may be reported differently in the database. This variant, c.105180_105181delinsCA, is a complex sequence change that results in the deletion of 2 and insertion of 2 amino acid(s) in the TTN protein (p.Glu35060_Ala35061delinsAspThr).

Literature cited by the submitters: PubMed 25589632; PubMed 23975875.